The following is an entry in ClinVar:

NM_001371596.2(MFSD8):c.401A>G (p.Tyr134Cys)

Gene: MFSD8 (major facilitator superfamily domain containing 8; minus strand). Cytogenetic location: 4q28.2.
Variant type: single nucleotide variant.
Coding change: c.401A>G on transcript NM_001371596.2 (MANE Select); coding-DNA position 401, A replaced by G.
Protein change: p.Tyr134Cys; replaces tyrosine 134 with cysteine.
Molecular consequence: missense variant.
Genome position (GRCh38, 1-based): chr4:127,943,790, T>C on the plus strand (A>G on the coding strand, the complement: MFSD8 is on the minus strand). VCF-style: chr4-127943790-T-C. GRCh37 (hg19) VCF-style: chr4-128864945-T-C.
Other names: c.401A>G, p.Tyr134Cys (NM_001363520.3, NM_001363521.3, NM_001371591.2 and 5 more transcripts); c.266A>G, p.Tyr89Cys (NM_001371590.2, NM_001371595.1, NM_001410765.1); short protein forms Y134C, Y89C.
Identifiers: ClinVar variation 533372 (VCV000533372.6), dbSNP rs1242219330, ClinGen allele CA358176723.

ClinVar aggregate classification (germline): Uncertain significance (1 of 4 stars; one submission).

Conditions:
Neuronal ceroid lipofuscinosis 7 (CLN7). Also called: MFSD8-Related Neuronal Ceroid-Lipofuscinosis. Identifiers: Orphanet 168491, Orphanet 228366, MedGen C1838571, MONDO:0012588, OMIM 610951.

Allele frequency attached by ClinVar (database versions not stated): gnomAD exomes below 0.00001; gnomAD 0.00001.
gnomAD v4.1: 6 of 1,614,028 alleles (0.00037%); highest among the groups gnomAD compares: Admixed American, 0.0033%; no homozygotes.

Submission:

Labcorp Genetics (formerly Invitae), Labcorp
Classification: Uncertain significance for Neuronal ceroid lipofuscinosis 7. Last evaluated: 2022-08-05. Review status: criteria provided, single submitter. Criteria: Invitae Variant Classification Sherloc (09022015). Collection method: clinical testing. Allele origin: germline.
Comment: This sequence change replaces tyrosine, which is neutral and polar, with cysteine, which is neutral and slightly polar, at codon 134 of the MFSD8 protein (p.Tyr134Cys). This variant is present in population databases (no rsID available, gnomAD 0.007%). This variant has not been reported in the literature in individuals affected with MFSD8-related conditions. ClinVar contains an entry for this variant (Variation ID: 533372). Algorithms developed to predict the effect of missense changes on protein structure and function are either unavailable or do not agree on the potential impact of this missense change (SIFT: "Deleterious"; PolyPhen-2: "Probably Damaging"; Align-GVGD: "Class C0"). In summary, the available evidence is currently insufficient to determine the role of this variant in disease. Therefore, it has been classified as a Variant of Uncertain Significance.